The following is an entry in ClinVar:

NM_001267550.2(TTN):c.52656_52684delinsCAGATCCCAAAACAGATCCC (p.Gly17553_Lys17562delinsArgSerGlnAsnArgSerGln)

Genes: TTN (titin; minus strand), TTN-AS1 (TTN antisense RNA 1; plus strand), LOC126806425 (BRD4-independent group 4 enhancer GRCh37_chr2:179471933-179473132; plus strand). Cytogenetic location: 2q31.2.
Variant type: Indel.
Coding change: c.52656_52684delinsCAGATCCCAAAACAGATCCC on transcript NM_001267550.2 (MANE Select); coding-DNA positions 52656 to 52684, TGGAAAGTTCAGTCCACCTTCAGATCCCA replaced by CAGATCCCAAAACAGATCCC.
Protein change: p.Gly17553_Lys17562delinsArgSerGlnAsnArgSerGln.
Molecular consequence: inframe indel. On other transcripts: non-coding transcript variant (1).
Genome position (GRCh38, 1-based): chr2:178,608,199-178,608,227, TGGGATCTGAAGGTGGACTGAACTTTCCA replaced by GGGATCTGTTTTGGGATCTG on the plus strand (TGGAAAGTTCAGTCCACCTTCAGATCCCA replaced by CAGATCCCAAAACAGATCCC on the coding strand, the reverse complement: TTN is on the minus strand). GRCh37 (hg19): chr2:179,472,926-179,472,954.
Other names: c.47733_47761delinsCAGATCCCAAAACAGATCCC, p.Gly15912_Lys15921delinsArgSerGlnAsnArgSerGln (NM_001256850.1); c.25461_25489delinsCAGATCCCAAAACAGATCCC, p.Gly8488_Lys8497delinsArgSerGlnAsnArgSerGln (NM_003319.4); c.44952_44980delinsCAGATCCCAAAACAGATCCC, p.Gly14985_Lys14994delinsArgSerGlnAsnArgSerGln (NM_133378.4); c.25836_25864delinsCAGATCCCAAAACAGATCCC, p.Gly8613_Lys8622delinsArgSerGlnAsnArgSerGln (NM_133432.3); c.26037_26065delinsCAGATCCCAAAACAGATCCC, p.Gly8680_Lys8689delinsArgSerGlnAsnArgSerGln (NM_133437.4).
Identifiers: ClinVar variation 165994 (VCV000165994.5), dbSNP rs727503613, ClinGen allele CA178782.
Genomic context (GRCh38, chr2:178,608,199, plus strand): 5'-GCTTGTTCTACTCCACCTTCTTCTTAAGGAACTACTTACAGATTGGATCATGTGCTGTTT[TGGGATCTGAAGGTGGACTGAACTTTCCA>GGGATCTGTTTTGGGATCTG]GGTCCAGCTGCATTTTCAGCACATACTCTGAAGACATAGGTGAGTCCTTCTAATAAGCCA-3'

ClinVar aggregate classification (germline): Uncertain significance (1 of 4 stars; one submission).

Submission:

Laboratory for Molecular Medicine, Mass General Brigham Personalized Medicine
Classification: Uncertain significance. Last evaluated: 2014-09-12. Review status: criteria provided, single submitter. Criteria: LMM Criteria. Collection method: clinical testing. Allele origin: germline. Observed: 1 variant allele.
Comment: The Gly14985_Lys14994delins7 variant in TTN has not been previously reported in individuals with cardiomyopathy. Data from large population studies is insuffici ent to assess the frequency of this variant. This variant is a deletion of 29 ba ses and an insertion of 20 bases at cDNA position 44952, resulting in a deletion of 10 amino acids and an insertion of 7 amino acids at position 14985 and is no t predicted to alter the protein reading-frame. It is unclear if this insertion- deletion will impact the protein. In summary, the clinical significance of the G ly14985_Lys14994delins7 variant is uncertain.